The following is an entry in ClinVar:

ClinVar aggregate classification (germline): Likely pathogenic (1 of 4 stars; one submission).

Conditions:
Oocyte/zygote/embryo maturation arrest 16. Also called: Preimplantation embryonic lethality 2. Identifiers: MedGen C4310659, MONDO:1010200, OMIM 617234.

Submission:

Juno Genomics, Hangzhou Juno Genomics, Inc
Classification: Likely pathogenic for Oocyte/zygote/embryo maturation arrest 16. Review status: criteria provided, single submitter. Criteria: ACMG Guidelines, 2015. Collection method: clinical testing. Allele origin: germline.
Comment: Null variant in a gene where loss of function (LOF) is a known mechanism of disease.;Absent from controls (or at extremely low frequency if recessive) in Genome Aggregation Database.

NM_207421.4(PADI6):c.1687del (p.Glu563fs)

Gene: PADI6 (peptidyl arginine deiminase 6; plus strand). Cytogenetic location: 1p36.13.
Variant type: Deletion.
Coding change: c.1687del on transcript NM_207421.4 (MANE Select); coding-DNA position 1687, one base deleted (G; older notation c.1687delG).
Protein change: p.Glu563fs; shifts the reading frame from glutamic acid 563.
Molecular consequence: frameshift variant.
Genome position (GRCh38, 1-based): chr1:17,397,139, G deleted; the last of 2 consecutive G bases (chr1:17,397,138-17,397,139); deleting either gives the same sequence. VCF-style (leftmost placement, unchanged base first): chr1-17397137-TG-T. GRCh37 (hg19) VCF-style: chr1-17723633-TG-T.
Other names: short protein forms E563fs.
Identifiers: ClinVar variation 5005329 (VCV005005329.2).